The following is an entry in ClinVar:

NM_006662.3(SRCAP):c.608G>A (p.Arg203Lys)

Gene: SRCAP (Snf2 related CREBBP activator protein; plus strand). Cytogenetic location: 16p11.2.
Variant type: single nucleotide variant.
Coding change: c.608G>A on transcript NM_006662.3 (MANE Select); coding-DNA position 608, G replaced by A.
Protein change: p.Arg203Lys; replaces arginine 203 with lysine.
Molecular consequence: missense variant.
Genome position (GRCh38, 1-based): chr16:30,707,687, G>A. VCF-style: chr16-30707687-G-A. GRCh37 (hg19) VCF-style: chr16-30719008-G-A.
Other names: short protein forms R203K.
Identifiers: ClinVar variation 2985818 (VCV002985818.4), dbSNP rs771182909, ClinGen allele CA8010713.

ClinVar aggregate classification (germline): Uncertain significance. Review status: criteria provided, multiple submitters, no conflicts (2 of 4 stars). 2 submissions from 2 submitters: Uncertain significance (2). Last evaluated 2025-04-21.

Conditions:
Developmental delay, hypotonia, musculoskeletal defects, and behavioral abnormalities. Identifiers: MedGen C5562012, MONDO:0859202, OMIM 619595.
Floating-Harbor syndrome (FLHS). Also called: SRCAP-Related Floating-Harbor Syndrome; Short stature with delayed bone age, expressive language delay, a triangular face with a prominent nose and deep-set eyes; Pelletier-Leisti syndrome. Identifiers: Orphanet 2044, MedGen C0729582, MONDO:0007621, OMIM 136140.

Allele frequency attached by ClinVar (database versions not stated): TOPMed below 0.00001; ExAC 0.00001; gnomAD 0.00001.
gnomAD v4.1: 5 of 1,614,084 alleles (0.00031%); highest among the groups gnomAD compares: Admixed American, 0.005%; no homozygotes.

Submissions (2):

Labcorp Genetics (formerly Invitae), Labcorp
Classification: Uncertain significance. Last evaluated: 2025-04-21. Review status: criteria provided, single submitter. Criteria: Invitae Variant Classification Sherloc (09022015). Collection method: clinical testing. Allele origin: germline.
Comment: This sequence change replaces arginine, which is basic and polar, with lysine, which is basic and polar, at codon 203 of the SRCAP protein (p.Arg203Lys). This variant is present in population databases (rs771182909, gnomAD 0.009%). This variant has not been reported in the literature in individuals affected with SRCAP-related conditions. ClinVar contains an entry for this variant (Variation ID: 2985818). Invitae Evidence Modeling of protein sequence and biophysical properties (such as structural, functional, and spatial information, amino acid conservation, physicochemical variation, residue mobility, and thermodynamic stability) indicates that this missense variant is not expected to disrupt SRCAP protein function with a negative predictive value of 80%. In summary, the available evidence is currently insufficient to determine the role of this variant in disease. Therefore, it has been classified as a Variant of Uncertain Significance.

Fulgent Genetics
Classification: Uncertain significance for Floating-Harbor syndrome; Developmental delay, hypotonia, musculoskeletal defects, and behavioral abnormalities. Last evaluated: 2024-03-11. Review status: criteria provided, single submitter. Criteria: ACMG Guidelines, 2015. Collection method: clinical testing. Allele origin: germline.